The following is an entry in ClinVar:

ClinVar aggregate classification (germline): Uncertain significance (1 of 4 stars; one submission).

Conditions:
Long QT syndrome (LQTS). Identifiers: MedGen C0023976, MeSH D008133, MONDO:0002442. Disease mechanism: loss of function. Inheritance: Various modes of inheritance.

gnomAD v4.1: 1 of 1,446,202 alleles (0.000069%); highest among the groups gnomAD compares: Non-Finnish European, 0.000091%; no homozygotes.

Submission:

Labcorp Genetics (formerly Invitae), Labcorp
Classification: Uncertain significance for Long QT syndrome. Last evaluated: 2022-11-01. Review status: criteria provided, single submitter. Criteria: Invitae Variant Classification Sherloc (09022015). Collection method: clinical testing. Allele origin: germline.
Comment: This sequence change replaces proline, which is neutral and non-polar, with histidine, which is basic and polar, at codon 237 of the KCNH2 protein (p.Pro237His). This variant is not present in population databases (gnomAD no frequency). This variant has not been reported in the literature in individuals affected with KCNH2-related conditions. ClinVar contains an entry for this variant (Variation ID: 526973). Algorithms developed to predict the effect of missense changes on protein structure and function (SIFT, PolyPhen-2, Align-GVGD) all suggest that this variant is likely to be tolerated. In summary, the available evidence is currently insufficient to determine the role of this variant in disease. Therefore, it has been classified as a Variant of Uncertain Significance.

NM_000238.4(KCNH2):c.710C>A (p.Pro237His)

Gene: KCNH2 (potassium voltage-gated channel subfamily H member 2; minus strand). Cytogenetic location: 7q36.1.
Variant type: single nucleotide variant.
Coding change: c.710C>A on transcript NM_000238.4 (MANE Select); coding-DNA position 710, C replaced by A.
Protein change: p.Pro237His; replaces proline 237 with histidine.
Molecular consequence: missense variant.
Genome position (GRCh38, 1-based): chr7:150,958,265, G>T on the plus strand (C>A on the coding strand, the complement: KCNH2 is on the minus strand). VCF-style: chr7-150958265-G-T. GRCh37 (hg19) VCF-style: chr7-150655353-G-T.
Other names: c.422C>A, p.Pro141His (NM_001406753.1, NM_001406756.1); c.533C>A, p.Pro178His (NM_001406755.1); c.410C>A, p.Pro137His (NM_001406757.1); c.710C>A, p.Pro237His (NM_172056.3); short protein forms P237H, P141H, P178H, P137H.
Identifiers: ClinVar variation 526973 (VCV000526973.9), dbSNP rs1554427821, ClinGen allele CA369862753.